The following is an entry in ClinVar:

ClinVar aggregate classification (germline): Conflicting classifications of pathogenicity. Review status: criteria provided, conflicting classifications (1 of 4 stars). 2 submissions from 2 submitters: Uncertain significance (1); Likely benign (1). Last evaluated 2023-12-29.

Conditions:
RASopathy. Also called: Noonan spectrum disorder; rasopathies. Identifiers: Orphanet 536391, MedGen C5555857, MONDO:0021060.

Allele frequency attached by ClinVar (database versions not stated): ExAC 0.00001; gnomAD exomes 0.00001; gnomAD 0.00002.
gnomAD v4.1: 11 of 1,613,944 alleles (0.00068%); highest among the groups gnomAD compares: Non-Finnish European, 0.00042%; no homozygotes.

Submissions (2):

Labcorp Genetics (formerly Invitae), Labcorp
Classification: Uncertain significance for RASopathy. Last evaluated: 2023-12-29. Review status: criteria provided, single submitter. Criteria: Invitae Variant Classification Sherloc (09022015). Collection method: clinical testing. Allele origin: germline.
Comment: This sequence change replaces lysine, which is basic and polar, with arginine, which is basic and polar, at codon 542 of the SHOC2 protein (p.Lys542Arg). The frequency data for this variant in the population databases is considered unreliable, as metrics indicate poor data quality at this position in the gnomAD database. This variant has not been reported in the literature in individuals affected with SHOC2-related conditions. Advanced modeling of protein sequence and biophysical properties (such as structural, functional, and spatial information, amino acid conservation, physicochemical variation, residue mobility, and thermodynamic stability) performed at Invitae indicates that this missense variant is not expected to disrupt SHOC2 protein function with a negative predictive value of 80%. In summary, the available evidence is currently insufficient to determine the role of this variant in disease. Therefore, it has been classified as a Variant of Uncertain Significance.

Blueprint Genetics
Classification: Likely benign. Last evaluated: 2020-09-29. Review status: criteria provided, single submitter. Criteria: ACMG Guidelines, 2015. Collection method: clinical testing. Allele origin: germline.

NM_007373.4(SHOC2):c.1625A>G (p.Lys542Arg)

Gene: SHOC2 (SHOC2 leucine rich repeat scaffold protein; plus strand). Cytogenetic location: 10q25.2.
Variant type: single nucleotide variant.
Coding change: c.1625A>G on transcript NM_007373.4 (MANE Select); coding-DNA position 1625, A replaced by G.
Protein change: p.Lys542Arg; replaces lysine 542 with arginine.
Molecular consequence: missense variant. On other transcripts: non-coding transcript variant (1).
Genome position (GRCh38, 1-based): chr10:111,011,694, A>G. VCF-style: chr10-111011694-A-G. GRCh37 (hg19) VCF-style: chr10-112771452-A-G.
Other names: c.1487A>G, p.Lys496Arg (NM_001269039.3); c.1625A>G, p.Lys542Arg (NM_001324336.2, NM_001324337.2); short protein forms K496R, K542R.
Identifiers: ClinVar variation 2985968 (VCV002985968.3), dbSNP rs772518896, ClinGen allele CA5689823.